The following is an entry in ClinVar:

NM_017780.4(CHD7):c.2345C>G (p.Ser782Cys)

Gene: CHD7 (chromodomain helicase DNA binding protein 7; plus strand). Cytogenetic location: 8q12.2.
Variant type: single nucleotide variant.
Coding change: c.2345C>G on transcript NM_017780.4 (MANE Select); coding-DNA position 2345, C replaced by G.
Protein change: p.Ser782Cys; replaces serine 782 with cysteine.
Molecular consequence: missense variant. On other transcripts: intron variant (1).
Genome position (GRCh38, 1-based): chr8:60,800,494, C>G. VCF-style: chr8-60800494-C-G. GRCh37 (hg19) VCF-style: chr8-61713053-C-G.
Other names: c.1716+19444C>G (NM_001316690.1); c.2345C>G (NM_017780.3); short protein forms S782C.
Identifiers: ClinVar variation 1039879 (VCV001039879.9), dbSNP rs1812251287, ClinGen allele CA371300691.
Genomic context (GRCh38, chr8:60,800,494, plus strand): 5'-ACCTGGAGTTCAAGATTTCTGATGAGGAGGCAGATGATGCAGATGCTGCTGGGAGGGATT[C>G]CCCCTCCAACACCTCCCAGTCAGAACAGCAGGTTAGTACCAGATCTGTGGGATTTATGGA-3'
Protein context (NP_060250.2, residues 772-792): ADDADAAGRD[Ser782Cys]PSNTSQSEQQ

ClinVar aggregate classification (germline): Uncertain significance. Review status: criteria provided, multiple submitters, no conflicts (2 of 4 stars). 2 submissions from 2 submitters: Uncertain significance (2). Last evaluated 2024-01-24.

Conditions:
Inborn genetic diseases. Identifiers: MedGen C0950123, MeSH D030342.
CHARGE syndrome (CHARGE). Also called: Hittner Hirsch Kreh syndrome; Coloboma, heart anomaly, choanal atresia, retardation, genital and ear anomalies; CHARGE association; Hall-Hittner syndrome; CHARGE ASSOCIATION--COLOBOMA, HEART ANOMALY, CHOANAL ATRESIA, RETARDATION, GENITAL AND EAR ANOMALIES. Identifiers: Orphanet 138, MedGen C0265354, MONDO:0008965.

Allele frequency attached by ClinVar (database versions not stated): gnomAD exomes below 0.00001.
gnomAD v4.1: 1 of 1,613,548 alleles (0.000062%); highest among the groups gnomAD compares: South Asian, 0.0011%; no homozygotes.

Submissions (2):

Ambry Genetics
Classification: Uncertain significance for Inborn genetic diseases. Last evaluated: 2024-01-24. Review status: criteria provided, single submitter. Criteria: Ambry Variant Classification Scheme 2023. Collection method: clinical testing. Allele origin: germline.

Labcorp Genetics (formerly Invitae), Labcorp
Classification: Uncertain significance for CHARGE syndrome. Last evaluated: 2020-05-15. Review status: criteria provided, single submitter. Criteria: Invitae Variant Classification Sherloc (09022015). Collection method: clinical testing. Allele origin: germline.
Comment: In summary, the available evidence is currently insufficient to determine the role of this variant in disease. Therefore, it has been classified as a Variant of Uncertain Significance. Algorithms developed to predict the effect of missense changes on protein structure and function are either unavailable or do not agree on the potential impact of this missense change (SIFT: "Deleterious"; PolyPhen-2: "Probably Damaging"; Align-GVGD: "Class C15"). This variant has not been reported in the literature in individuals with CHD7-related conditions. This variant is not present in population databases (ExAC no frequency). This sequence change replaces serine with cysteine at codon 782 of the CHD7 protein (p.Ser782Cys). The serine residue is highly conserved and there is a moderate physicochemical difference between serine and cysteine.